The following is an entry in ClinVar:

NM_000287.4(PEX6):c.403G>A (p.Gly135Arg)

Gene: PEX6 (peroxisomal biogenesis factor 6; minus strand). Cytogenetic location: 6p21.1.
Variant type: single nucleotide variant.
Coding change: c.403G>A on transcript NM_000287.4 (MANE Select); coding-DNA position 403, G replaced by A.
Protein change: p.Gly135Arg; replaces glycine 135 with arginine.
Molecular consequence: missense variant. On other transcripts: non-coding transcript variant (1).
Genome position (GRCh38, 1-based): chr6:42,978,748, C>T on the plus strand (G>A on the coding strand, the complement: PEX6 is on the minus strand). VCF-style: chr6-42978748-C-T. GRCh37 (hg19) VCF-style: chr6-42946486-C-T.
Other names: c.403G>A, p.Gly135Arg (NM_001316313.2); short protein forms G135R.
Identifiers: ClinVar variation 2169206 (VCV002169206.1), dbSNP rs767913986, ClinGen allele CA3811625.
Genomic context (GRCh38, chr6:42,978,748, plus strand): 5'-GCCGAGTCCCTGGGCCCAGCAGCCCTTGCAACGCCGGCCGCGTCTCCAGCACCCGCGGTC[C>T]GGGCACTGGGAGGGTCTCTCCGCGCCTCACCAGCAGCGGCCCGACTCGCGGTCCGAGCCC-3'
Protein context (NP_000278.3, residues 125-145): VRRGETLPVP[Gly135Arg]PRVLETRPAL

ClinVar aggregate classification (germline): Uncertain significance (1 of 4 stars; one submission).

Conditions:
Peroxisome biogenesis disorder. Identifiers: Orphanet 79189, MedGen C1832200, MONDO:0019234. Disease mechanism: loss of function.

Allele frequency attached by ClinVar (database versions not stated): TOPMed below 0.00001; ExAC 0.00008.

Submission:

Labcorp Genetics (formerly Invitae), Labcorp
Classification: Uncertain significance for Peroxisome biogenesis disorder. Last evaluated: 2022-03-12. Review status: criteria provided, single submitter. Criteria: Invitae Variant Classification Sherloc (09022015). Collection method: clinical testing. Allele origin: germline.
Comment: This sequence change replaces glycine, which is neutral and non-polar, with arginine, which is basic and polar, at codon 135 of the PEX6 protein (p.Gly135Arg). The frequency data for this variant in the population databases is considered unreliable, as metrics indicate poor data quality at this position in the gnomAD database. This variant has not been reported in the literature in individuals affected with PEX6-related conditions. Algorithms developed to predict the effect of missense changes on protein structure and function are either unavailable or do not agree on the potential impact of this missense change (SIFT: "Tolerated"; PolyPhen-2: "Probably Damaging"; Align-GVGD: "Class C0"). In summary, the available evidence is currently insufficient to determine the role of this variant in disease. Therefore, it has been classified as a Variant of Uncertain Significance.